The following is an entry in ClinVar:

ClinVar aggregate classification (germline): Uncertain significance. Review status: criteria provided, multiple submitters, no conflicts (2 of 4 stars). 2 submissions from 2 submitters: Uncertain significance (2). Last evaluated 2024-10-20.

Allele frequency attached by ClinVar (database versions not stated): gnomAD exomes below 0.00001 and 0.00001; TOPMed below 0.00001; ExAC 0.00001.
gnomAD v4.1: 10 of 1,613,982 alleles (0.00062%); highest among the groups gnomAD compares: Non-Finnish European, 0.00085%; no homozygotes.

Submissions (2):

Women's Health and Genetics/Laboratory Corporation of America, LabCorp
Classification: Uncertain significance. Last evaluated: 2024-10-20. Review status: criteria provided, single submitter. Criteria: LabCorp Variant Classification Summary - May 2015. Collection method: clinical testing. Allele origin: germline.

Labcorp Genetics (formerly Invitae), Labcorp
Classification: Uncertain significance. Last evaluated: 2022-02-10. Review status: criteria provided, single submitter. Criteria: Invitae Variant Classification Sherloc (09022015). Collection method: clinical testing. Allele origin: germline.
Comment: This sequence change falls in intron 6 of the MYO7A gene. It does not directly change the encoded amino acid sequence of the MYO7A protein. It affects a nucleotide within the consensus splice site. This variant is present in population databases (rs782519015, gnomAD 0.0009%). This variant has not been reported in the literature in individuals affected with MYO7A-related conditions. Variants that disrupt the consensus splice site are a relatively common cause of aberrant splicing (PMID: 17576681, 9536098). Algorithms developed to predict the effect of sequence changes on RNA splicing suggest that this variant may disrupt the consensus splice site. In summary, the available evidence is currently insufficient to determine the role of this variant in disease. Therefore, it has been classified as a Variant of Uncertain Significance.

Literature cited by the submitters: PubMed 17576681 (cited by Labcorp Genetics (formerly Invitae), Labcorp); PubMed 9536098 (cited by Labcorp Genetics (formerly Invitae), Labcorp).

NM_000260.4(MYO7A):c.592+5G>T

Gene: MYO7A (myosin VIIA; plus strand). Cytogenetic location: 11q13.5.
Variant type: single nucleotide variant.
Coding change: c.592+5G>T on transcript NM_000260.4 (MANE Select); 5 bases into the intron after coding-DNA position 592, G replaced by T.
Molecular consequence: intron variant.
Genome position (GRCh38, 1-based): chr11:77,156,786, G>T. VCF-style: chr11-77156786-G-T. GRCh37 (hg19) VCF-style: chr11-76867832-G-T.
Other names: c.559+5G>T (NM_001369365.1); c.592+5G>T (NM_001127180.2).
Identifiers: ClinVar variation 1489912 (VCV001489912.4), dbSNP rs782519015, ClinGen allele CA6197172.